The following is an entry in ClinVar:

NM_000059.4(BRCA2):c.6603T>C (p.Ser2201=)

Gene: BRCA2 (BRCA2 DNA repair associated; plus strand). Cytogenetic location: 13q13.1.
Variant type: single nucleotide variant.
Coding change: c.6603T>C on transcript NM_000059.4 (MANE Select); coding-DNA position 6603, T replaced by C.
Protein change: p.Ser2201=; no amino-acid change (serine 2201 retained).
Molecular consequence: synonymous variant.
Genome position (GRCh38, 1-based): chr13:32,340,958, T>C. VCF-style: chr13-32340958-T-C. GRCh37 (hg19) VCF-style: chr13-32915095-T-C.
Identifiers: ClinVar variation 185938 (VCV000185938.25), dbSNP rs786202576, ClinGen allele CA024207.
Genomic context (GRCh38, chr13:32,340,958, plus strand): 5'-AAAAGAACAGGCTTCACCTAAAAACGTAAAAATGGAAATTGGTAAAACTGAAACTTTTTC[T>C]GATGTTCCTGTGAAAACAAATATAGAAGTTTGTTCTACTTACTCCAAAGATTCAGAAAAC-3'
Protein context (NP_000050.3, residues 2191-2211): KMEIGKTETF[Ser2201=]DVPVKTNIEV

ClinVar aggregate classification (germline): Likely benign. Review status: reviewed by expert panel (3 of 4 stars). 10 submissions from 10 submitters: Likely benign (1). 9 of the submissions do not count toward it. Last evaluated 2017-06-29.

Conditions:
Breast and/or ovarian cancer. Identifiers: MedGen CN221562.
Hereditary breast ovarian cancer syndrome. Also called: Hereditary breast and ovarian cancer; Hereditary breast and ovarian cancer syndrome; Breast and ovarian cancer; Hereditary breast and ovarian cancer syndrome (HBOC); Hereditary breast and/or ovarian cancer syndrome; BRCA1- and BRCA2-Associated Hereditary Breast and Ovarian Cancer. Identifiers: Orphanet 145, MedGen C0677776, MeSH D061325, MONDO:0003582. Disease mechanism: loss of function.
Hereditary cancer-predisposing syndrome. Also called: Hereditary Cancer Syndrome; Neoplastic Syndromes, Hereditary; Tumor predisposition; Hereditary neoplastic syndrome. Identifiers: Orphanet 140162, MedGen C0027672, MeSH D009386, MONDO:0015356.
Breast-ovarian cancer, familial, susceptibility to, 2 (BROVCA2). Also called: BRCA2 Hereditary Breast and Ovarian Cancer. Identifiers: Orphanet 145, MedGen C2675520, MONDO:0012933, OMIM 612555. Disease mechanism: loss of function.
Familial cancer of breast. Also called: BREAST CANCER, FAMILIAL; Hereditary breast cancer; hereditary breast carcinoma. Identifiers: Orphanet 227535, MedGen C0346153, MONDO:0016419, OMIM 114480. Disease mechanism: loss of function.

Allele frequency attached by ClinVar (database versions not stated): gnomAD exomes below 0.00001 and 0.00001; TOPMed 0.00001.
gnomAD v4.1: 8 of 1,609,028 alleles (0.0005%); highest among the groups gnomAD compares: Non-Finnish European, 0.00068%; no homozygotes.

Submissions (10):

Evidence-based Network for the Interpretation of Germline Mutant Alleles (ENIGMA)
Classification: Likely benign for Breast-ovarian cancer, familial, susceptibility to, 2. Last evaluated: 2017-06-29. Review status: reviewed by expert panel. Criteria: ENIGMA BRCA1/2 Classification Criteria (2017-06-29). Collection method: curation. Allele origin: germline.
Comment: Synonymous substitution variant, with low bioinformatic likelihood to result in a splicing aberration (Splicing prior probability 0.02).

Labcorp Genetics (formerly Invitae), Labcorp
Classification: Likely benign for Hereditary breast ovarian cancer syndrome. Last evaluated: 2025-10-13. Review status: criteria provided, single submitter. Criteria: Invitae Variant Classification Sherloc (09022015). Collection method: clinical testing. Allele origin: germline. Not counted in ClinVar's aggregate classification.

All of Us Research Program, National Institutes of Health
Classification: Likely benign for Breast-ovarian cancer, familial, susceptibility to, 2. Last evaluated: 2023-04-28. Review status: criteria provided, single submitter. Criteria: ACMG Guidelines, 2015. Collection method: clinical testing. Allele origin: germline. Inheritance: Autosomal dominant inheritance. Observed: 1 variant allele, 1 heterozygote. Not counted in ClinVar's aggregate classification.
Comment: This study involves interpretation of variants in research participants for the purpose of population health screening. Participant phenotype was not available at the time of variant classification. Additional details can be found in publication PMID: 35346344, PMCID: PMC8962531

Color Diagnostics, LLC DBA Color Health
Classification: Likely benign for Hereditary cancer-predisposing syndrome. Last evaluated: 2022-05-19. Review status: criteria provided, single submitter. Criteria: ACMG Guidelines, 2015. Collection method: clinical testing. Allele origin: germline. Not counted in ClinVar's aggregate classification.

Quest Diagnostics Nichols Institute San Juan Capistrano
Classification: Likely benign. Last evaluated: 2021-05-17. Review status: criteria provided, single submitter. Criteria: Quest Diagnostics criteria. Collection method: clinical testing. Allele origin: unknown. Not counted in ClinVar's aggregate classification.

CHEO Genetics Diagnostic Laboratory, Children's Hospital of Eastern Ontario
Classification: Likely benign for Breast and/or ovarian cancer. Last evaluated: 2020-10-21. Review status: criteria provided, single submitter. Criteria: ACMG Guidelines, 2015. Collection method: clinical testing. Allele origin: germline. Not counted in ClinVar's aggregate classification.

Women's Health and Genetics/Laboratory Corporation of America, LabCorp
Classification: Likely benign. Last evaluated: 2020-05-30. Review status: criteria provided, single submitter. Criteria: LabCorp Variant Classification Summary - May 2015. Collection method: clinical testing. Allele origin: germline. Not counted in ClinVar's aggregate classification.

Department of Pathology and Laboratory Medicine, Sinai Health System
Classification: Likely benign for Familial cancer of breast; Breast-ovarian cancer, familial, susceptibility to, 2. Last evaluated: 2020-04-20. Review status: criteria provided, single submitter. Criteria: ACMG Guidelines, 2015. Collection method: clinical testing. Allele origin: germline. Affected: yes. Not counted in ClinVar's aggregate classification.

GeneDx
Classification: Likely benign. Last evaluated: 2020-01-08. Review status: criteria provided, single submitter. Criteria: GeneDx Variant Classification Process June 2021. Collection method: clinical testing. Allele origin: germline. Affected: yes. Not counted in ClinVar's aggregate classification.

Ambry Genetics
Classification: Likely benign for Hereditary cancer-predisposing syndrome. Last evaluated: 2014-08-08. Review status: criteria provided, single submitter. Criteria: Ambry Variant Classification Scheme 2023. Collection method: clinical testing. Allele origin: germline. Not counted in ClinVar's aggregate classification.